The following is an entry in ClinVar:

NM_001099293.3(KIF4B):c.2446A>C (p.Ile816Leu)

Gene: KIF4B (kinesin family member 4B; plus strand). Cytogenetic location: 5q33.2.
Variant type: single nucleotide variant.
Coding change: c.2446A>C on transcript NM_001099293.3 (MANE Select); coding-DNA position 2446, A replaced by C.
Protein change: p.Ile816Leu; replaces isoleucine 816 with leucine.
Molecular consequence: missense variant.
Genome position (GRCh38, 1-based): chr5:155,016,305, A>C. VCF-style: chr5-155016305-A-C. GRCh37 (hg19) VCF-style: chr5-154395865-A-C.
Other names: short protein forms I816L.
Identifiers: ClinVar variation 3037759 (VCV003037759.2), dbSNP rs116330056, ClinGen allele CA3530195.

ClinVar aggregate classification (germline): Benign (0 of 4 stars; one submission).

Conditions:
KIF4B-related disorder. Also called: KIF4B-related condition.

Allele frequency attached by ClinVar (database versions not stated): gnomAD exomes 0.00079; ExAC 0.00284; ESP Exome Variant Server 0.00915; gnomAD 0.00931; TOPMed 0.01006; 1000 Genomes Project 0.01258; 1000 Genomes Project 30x 0.01312.

Submission:

PreventionGenetics, part of Exact Sciences
Classification: Benign for KIF4B-related condition. Last evaluated: 2019-05-03. Review status: no assertion criteria provided. Collection method: clinical testing. Allele origin: germline.
Comment: This variant is classified as benign based on ACMG/AMP sequence variant interpretation guidelines (Richards et al. 2015 PMID: 25741868, with internal and published modifications).